The following is an entry in ClinVar:

ClinVar aggregate classification (germline): Conflicting classifications of pathogenicity. Review status: criteria provided, conflicting classifications (1 of 4 stars). 2 submissions from 2 submitters: Uncertain significance (1); Benign (1). Last evaluated 2023-05-20.

Conditions:
Developmental delay with or without dysmorphic facies and autism. Identifiers: MedGen C5193106, MONDO:0032760, OMIM 618454.

Allele frequency attached by ClinVar (database versions not stated): TOPMed below 0.00001; ExAC 0.00001; gnomAD 0.00002.
gnomAD v4.1: 13 of 1,614,078 alleles (0.00081%); highest among the groups gnomAD compares: Middle Eastern, 0.016%; no homozygotes.

Submissions (2):

Neuberg Centre For Genomic Medicine, NCGM
Classification: Uncertain significance for Developmental delay with or without dysmorphic facies and autism. Last evaluated: 2023-05-20. Review status: criteria provided, single submitter. Criteria: ACMG Guidelines, 2015. Collection method: clinical testing. Allele origin: germline. Inheritance: Autosomal dominant inheritance. Affected: yes.
Comment: The observed missense c.8095G>A (p.Val2699Ile) variant in TRRAP gene has not been reported previously as a pathogenic variant nor as a benign variant, to our knowledge. This variant is present with allele frequency of 0.001% in the gnomAD Exomes. This variant has been submitted to the ClinVar database as Uncertain Significance. Computational evidence (Polyphen - Probably Damaging , SIFT - Tolerated and MutationTaster - Disease Causing) predicts conflicting evidence on protein structure and function for this variant. The amino acid change p.Val2699Ile in TRRAP is predicted as conserved by GERP++ and PhyloP across 100 vertebrates. The amino acid Val at position 2699 is changed to a Ile changing protein sequence and it might alter its composition and physico-chemical properties. For these reasons, this variant has been classified as a Variant of Uncertain Significance (VUS).

Labcorp Genetics (formerly Invitae), Labcorp
Classification: Benign. Last evaluated: 2023-05-02. Review status: criteria provided, single submitter. Criteria: Invitae Variant Classification Sherloc (09022015). Collection method: clinical testing. Allele origin: germline.

NM_001375524.1(TRRAP):c.8095G>A (p.Val2699Ile)

Gene: TRRAP (transformation/transcription domain associated protein; plus strand). Cytogenetic location: 7q22.1.
Variant type: single nucleotide variant.
Coding change: c.8095G>A on transcript NM_001375524.1 (MANE Select); coding-DNA position 8095, G replaced by A.
Protein change: p.Val2699Ile; replaces valine 2699 with isoleucine.
Molecular consequence: missense variant.
Genome position (GRCh38, 1-based): chr7:98,976,618, G>A. VCF-style: chr7-98976618-G-A. GRCh37 (hg19) VCF-style: chr7-98574241-G-A.
Other names: c.8074G>A, p.Val2692Ile (NM_001244580.2); c.8020G>A, p.Val2674Ile (NM_003496.4); short protein forms V2692I, V2674I, V2699I.
Identifiers: ClinVar variation 1897915 (VCV001897915.6), dbSNP rs778834792, ClinGen allele CA4361330.
Genomic context (GRCh38, chr7:98,976,618, plus strand): 5'-CTGAACTGCTTTGTGGAAGCCATGTCCCAGTGCGTGCCGCCAATCCCCATCCGACCCTGC[G>A]TCCTGAAGTACCTGGGGAAGACACACAACCTCTGGTTCCGGTCCACGCTGATGTTGGAGC-3'
Protein context (NP_001362453.1, residues 2689-2709): CVPPIPIRPC[Val2699Ile]LKYLGKTHNL